The following is an entry in ClinVar:

ClinVar aggregate classification (germline): Uncertain significance (1 of 4 stars; one submission).

Allele frequency attached by ClinVar (database versions not stated): gnomAD 0.00001.
gnomAD v4.1: 2 of 1,538,294 alleles (0.00013%); highest among the groups gnomAD compares: African/African-American, 0.0027%; no homozygotes.

Submission:

Labcorp Genetics (formerly Invitae), Labcorp
Classification: Uncertain significance. Last evaluated: 2023-10-20. Review status: criteria provided, single submitter. Criteria: Invitae Variant Classification Sherloc (09022015). Collection method: clinical testing. Allele origin: germline.
Comment: This sequence change replaces valine, which is neutral and non-polar, with leucine, which is neutral and non-polar, at codon 613 of the MMP9 protein (p.Val613Leu). This variant is present in population databases (no rsID available, gnomAD 0.02%). This variant has not been reported in the literature in individuals affected with MMP9-related conditions. Advanced modeling of protein sequence and biophysical properties (such as structural, functional, and spatial information, amino acid conservation, physicochemical variation, residue mobility, and thermodynamic stability) performed at Invitae indicates that this missense variant is not expected to disrupt MMP9 protein function. In summary, the available evidence is currently insufficient to determine the role of this variant in disease. Therefore, it has been classified as a Variant of Uncertain Significance.

NM_004994.3(MMP9):c.1837G>C (p.Val613Leu)

Genes: MMP9 (matrix metallopeptidase 9; plus strand), SLC12A5-AS1 (SLC12A5 and MMP9 antisense RNA 1; minus strand). Cytogenetic location: 20q13.12.
Variant type: single nucleotide variant.
Coding change: c.1837G>C on transcript NM_004994.3 (MANE Select); coding-DNA position 1837, G replaced by C.
Protein change: p.Val613Leu; replaces valine 613 with leucine.
Molecular consequence: missense variant. On other transcripts: non-coding transcript variant (1).
Genome position (GRCh38, 1-based): chr20:46,014,210, G>C. VCF-style: chr20-46014210-G-C. GRCh37 (hg19) VCF-style: chr20-44642849-G-C.
Other names: short protein forms V613L.
Identifiers: ClinVar variation 2770335 (VCV002770335.3), dbSNP rs1319203113, ClinGen allele CA409224792.
Genomic context (GRCh38, chr20:46,014,210, plus strand): 5'-GCGTCGGTGCTGGGCCCGAGGCGTCTGGACAAGCTGGGCCTGGGAGCCGACGTGGCCCAG[G>C]TGACCGGGGCCCTCCGGAGTGGCAGGGGGAAGATGCTGCTGTTCAGCGGGCGGCGCCTCT-3'
Protein context (NP_004985.2, residues 603-623): KLGLGADVAQ[Val613Leu]TGALRSGRGK